The following is an entry in ClinVar:

NM_018180.3(DHX32):c.737T>C (p.Val246Ala)

Gene: DHX32 (DEAH-box helicase 32 (putative); minus strand). Cytogenetic location: 10q26.2.
Variant type: single nucleotide variant.
Coding change: c.737T>C on transcript NM_018180.3 (MANE Select); coding-DNA position 737, T replaced by C.
Protein change: p.Val246Ala; replaces valine 246 with alanine.
Molecular consequence: missense variant.
Genome position (GRCh38, 1-based): chr10:125,859,715, A>G on the plus strand (T>C on the coding strand, the complement: DHX32 is on the minus strand). VCF-style: chr10-125859715-A-G. GRCh37 (hg19) VCF-style: chr10-127548284-A-G.
Other names: short protein forms V246A.
Identifiers: ClinVar variation 2113213 (VCV002113213.4), dbSNP rs941091175, ClinGen allele CA215352877.

ClinVar aggregate classification (germline): Uncertain significance (1 of 4 stars; one submission).

Allele frequency attached by ClinVar (database versions not stated): gnomAD exomes below 0.00001; TOPMed 0.00001.
gnomAD v4.1: 1 of 1,614,144 alleles (0.000062%); highest among the groups gnomAD compares: African/African-American, 0.0013%; no homozygotes.

Submission:

Labcorp Genetics (formerly Invitae), Labcorp
Classification: Uncertain significance. Last evaluated: 2022-03-17. Review status: criteria provided, single submitter. Criteria: Invitae Variant Classification Sherloc (09022015). Collection method: clinical testing. Allele origin: germline.
Comment: This variant is not present in population databases (gnomAD no frequency). In summary, the available evidence is currently insufficient to determine the role of this variant in disease. Therefore, it has been classified as a Variant of Uncertain Significance. Algorithms developed to predict the effect of missense changes on protein structure and function (SIFT, PolyPhen-2, Align-GVGD) all suggest that this variant is likely to be disruptive. This variant has not been reported in the literature in individuals affected with DHX32-related conditions. This sequence change replaces valine, which is neutral and non-polar, with alanine, which is neutral and non-polar, at codon 246 of the DHX32 protein (p.Val246Ala).